The following is an entry in ClinVar:

NM_152305.3(POGLUT1):c.469C>A (p.His157Asn)

Gene: POGLUT1 (protein O-glucosyltransferase 1; plus strand). Cytogenetic location: 3q13.33.
Variant type: single nucleotide variant.
Coding change: c.469C>A on transcript NM_152305.3 (MANE Select); coding-DNA position 469, C replaced by A.
Protein change: p.His157Asn; replaces histidine 157 with asparagine.
Molecular consequence: missense variant. On other transcripts: non-coding transcript variant (1).
Genome position (GRCh38, 1-based): chr3:119,480,063, C>A. VCF-style: chr3-119480063-C-A. GRCh37 (hg19) VCF-style: chr3-119198910-C-A.
Other names: short protein forms H157N.
Identifiers: ClinVar variation 3690897 (VCV003690897.2).
Genomic context (GRCh38, chr3:119,480,063, plus strand): 5'-TCACTGTTCCAAGACTGATTTAGGACGACCTGTCTGTTTTTGTTGAAGACATCAGAGTAC[C>A]ATGATATCATGTATCCTGCTTGGACATTTTGGGAAGGGGGACCTGCTGTTTGGCCAATTT-3'
Protein context (NP_689518.1, residues 147-167): VFSFSKTSEY[His157Asn]DIMYPAWTFW

ClinVar aggregate classification (germline): Uncertain significance (1 of 4 stars; one submission).

Submission:

Labcorp Genetics (formerly Invitae), Labcorp
Classification: Uncertain significance. Last evaluated: 2024-10-02. Review status: criteria provided, single submitter. Criteria: Invitae Variant Classification Sherloc (09022015). Collection method: clinical testing. Allele origin: germline.
Comment: This sequence change replaces histidine, which is basic and polar, with asparagine, which is neutral and polar, at codon 157 of the POGLUT1 protein (p.His157Asn). This variant is not present in population databases (gnomAD no frequency). This variant has not been reported in the literature in individuals affected with POGLUT1-related conditions. Invitae Evidence Modeling of protein sequence and biophysical properties (such as structural, functional, and spatial information, amino acid conservation, physicochemical variation, residue mobility, and thermodynamic stability) indicates that this missense variant is not expected to disrupt POGLUT1 protein function with a negative predictive value of 80%. In summary, the available evidence is currently insufficient to determine the role of this variant in disease. Therefore, it has been classified as a Variant of Uncertain Significance.